The following is an entry in ClinVar:

ClinVar aggregate classification (germline): Uncertain significance (1 of 4 stars; one submission).

Submission:

Women's Health and Genetics/Laboratory Corporation of America, LabCorp
Classification: Uncertain significance. Last evaluated: 2023-04-13. Review status: criteria provided, single submitter. Criteria: LabCorp Variant Classification Summary - May 2015. Collection method: clinical testing. Allele origin: germline.
Comment: Variant summary: The variant identified by MLPA or other technology involves the duplication of exons 31-32 in the SPG11 gene. A presumed nomenclature of c.(5866+1_5867-1)_(6205+1_6206-1)dup has been designated for the purposes of this classification. It has been assumed that this is a tandem duplication in direct orientation (Richardson_GIM_2018, Newman_AJHG_2015). Although exact breakpoints of this duplication are not known, it is expected to result in a large in-frame duplication change in the SPG11 gene. The variant was absent in 21694 control chromosomes in the gnomAD database, structural variants dataset. The available data on variant occurrences in the general population are insufficient to allow any conclusion about variant significance. To our knowledge, no occurrence of c.(5866+1_5867-1)_(6205+1_6206-1)dup in individuals affected with Hereditary Spastic Paraplegia, Type 11 and no experimental evidence demonstrating its impact on protein function have been reported. One clinical diagnostic laboratory has submitted clinical-significance assessments for this variant to ClinVar after 2014, and classified the variant as uncertain significance. Based on the evidence outlined above, the variant was classified as uncertain significance.

NC_000015.9:g.(44865019_44865744)_(44867240_44876011)dup

Gene: SPG11 (SPG11 vesicle trafficking associated, spatacsin; minus strand). Cytogenetic location: 15q21.1.
Variant type: Duplication.
Identifiers: ClinVar variation 2503828 (VCV002503828.1).